The following is an entry in ClinVar:

ClinVar aggregate classification (germline): Uncertain significance (1 of 4 stars; one submission).

Submission:

Labcorp Genetics (formerly Invitae), Labcorp
Classification: Uncertain significance. Last evaluated: 2023-10-17. Review status: criteria provided, single submitter. Criteria: Invitae Variant Classification Sherloc (09022015). Collection method: clinical testing. Allele origin: germline.
Comment: This sequence change replaces phenylalanine, which is neutral and non-polar, with serine, which is neutral and polar, at codon 1297 of the FLNB protein (p.Phe1297Ser). This variant is not present in population databases (gnomAD no frequency). This variant has not been reported in the literature in individuals affected with FLNB-related conditions. Advanced modeling of protein sequence and biophysical properties (such as structural, functional, and spatial information, amino acid conservation, physicochemical variation, residue mobility, and thermodynamic stability) performed at Invitae indicates that this missense variant is not expected to disrupt FLNB protein function. In summary, the available evidence is currently insufficient to determine the role of this variant in disease. Therefore, it has been classified as a Variant of Uncertain Significance.

NM_001457.4(FLNB):c.3890T>C (p.Phe1297Ser)

Gene: FLNB (filamin B; plus strand). Cytogenetic location: 3p14.3.
Variant type: single nucleotide variant.
Coding change: c.3890T>C on transcript NM_001457.4 (MANE Select); coding-DNA position 3890, T replaced by C.
Protein change: p.Phe1297Ser; replaces phenylalanine 1297 with serine.
Molecular consequence: missense variant.
Genome position (GRCh38, 1-based): chr3:58,124,497, T>C. VCF-style: chr3-58124497-T-C. GRCh37 (hg19) VCF-style: chr3-58110224-T-C.
Other names: c.3890T>C, p.Phe1297Ser (NM_001164317.2, NM_001164318.2, NM_001164319.2); short protein forms F1297S.
Identifiers: ClinVar variation 2769476 (VCV002769476.3), dbSNP rs2471128148, ClinGen allele CA353349728.
Genomic context (GRCh38, chr3:58,124,497, plus strand): 5'-CCACCGAGTGCTTTGTCACAGACAATGCGGATGGGACCTACCAGGTGGAATACACACCCT[T>C]TGAGAAAGGTGAGCCGCCCTGTCCTCGGACTGGACCCTCGTTCAGAGCTGCCCTTGGTCA-3'
Protein context (NP_001448.2, residues 1287-1307): DGTYQVEYTP[Phe1297Ser]EKGLHVVEVT